The following is an entry in ClinVar:

ClinVar aggregate classification (germline): Benign/Likely benign. Review status: criteria provided, multiple submitters, no conflicts (2 of 4 stars). 5 submissions from 5 submitters: Benign (1); Likely benign (4). Last evaluated 2026-01-18.

Conditions:
Hereditary cancer-predisposing syndrome. Also called: Tumor predisposition; Hereditary Cancer Syndrome; Hereditary neoplastic syndrome; Neoplastic Syndromes, Hereditary. Identifiers: Orphanet 140162, MedGen C0027672, MeSH D009386, MONDO:0015356.
Familial cancer of breast. Also called: BREAST CANCER, FAMILIAL; hereditary breast carcinoma; Hereditary breast cancer. Identifiers: Orphanet 227535, MedGen C0346153, MONDO:0016419, OMIM 114480. Disease mechanism: loss of function.
Fanconi anemia complementation group J. Also called: BRIP1-Related Fanconi Anemia. Identifiers: Orphanet 84, MedGen C1836860, MONDO:0012187, OMIM 609054.

Allele frequency attached by ClinVar (database versions not stated): gnomAD 0.00001; ExAC 0.00002; gnomAD exomes 0.00002 and 0.00003; TOPMed 0.00002.
gnomAD v4.1: 47 of 1,611,024 alleles (0.0029%); highest among the groups gnomAD compares: Non-Finnish European, 0.0039%; no homozygotes.

Submissions (5):

Labcorp Genetics (formerly Invitae), Labcorp
Classification: Likely benign for Familial cancer of breast; Fanconi anemia complementation group J. Last evaluated: 2026-01-18. Review status: criteria provided, single submitter. Criteria: Invitae Variant Classification Sherloc (09022015). Collection method: clinical testing. Allele origin: germline.

ARUP Laboratories, Molecular Genetics and Genomics, ARUP Laboratories
Classification: Likely benign. Last evaluated: 2024-09-16. Review status: criteria provided, single submitter. Criteria: ARUP Molecular Germline Variant Investigation Process 2024. Collection method: clinical testing. Allele origin: germline.

PreventionGenetics, part of Exact Sciences
Classification: Likely benign. Last evaluated: 2017-10-11. Review status: criteria provided, single submitter. Criteria: ACMG Guidelines, 2015. Collection method: clinical testing. Allele origin: germline.

Color Diagnostics, LLC DBA Color Health
Classification: Likely benign for Hereditary cancer-predisposing syndrome. Last evaluated: 2017-07-19. Review status: criteria provided, single submitter. Criteria: ACMG Guidelines, 2015. Collection method: clinical testing. Allele origin: germline.

GeneDx
Classification: Benign. Last evaluated: 2014-10-07. Review status: criteria provided, single submitter. Criteria: GeneDx Variant Classification (06012015). Collection method: clinical testing. Allele origin: germline. Affected: yes.
Comment: This variant is considered likely benign or benign based on one or more of the following criteria: it is a conservative change, it occurs at a poorly conserved position in the protein, it is predicted to be benign by multiple in silico algorithms, and/or has population frequency not consistent with disease.

NM_032043.3(BRIP1):c.2257+17T>C

Gene: BRIP1 (BRCA1 interacting DNA helicase 1; minus strand). Cytogenetic location: 17q23.2.
Variant type: single nucleotide variant.
Coding change: c.2257+17T>C on transcript NM_032043.3 (MANE Select); 17 bases into the intron after coding-DNA position 2257, T replaced by C.
Molecular consequence: intron variant.
Genome position (GRCh38, 1-based): chr17:61,744,415, A>G on the plus strand (T>C on the coding strand, the complement: BRIP1 is on the minus strand). VCF-style: chr17-61744415-A-G. GRCh37 (hg19) VCF-style: chr17-59821776-A-G.
Identifiers: ClinVar variation 182354 (VCV000182354.13), dbSNP rs730881639, ClinGen allele CA298896.